The following is an entry in ClinVar:

NM_198586.3(NHLRC1):c.519del (p.Asp173fs)

Gene: NHLRC1 (NHL repeat containing E3 ubiquitin protein ligase 1; minus strand). Cytogenetic location: 6p22.3.
Variant type: Deletion.
Coding change: c.519del on transcript NM_198586.3 (MANE Select); coding-DNA position 519, one base deleted (C; older notation c.519delC).
Protein change: p.Asp173fs; shifts the reading frame from aspartic acid 173.
Molecular consequence: frameshift variant.
Genome position (GRCh38, 1-based): chr6:18,122,088, G deleted on the plus strand (C on the coding strand, the reverse complement: NHLRC1 is on the minus strand). VCF-style (leftmost placement, unchanged base first): chr6-18122087-TG-T. GRCh37 (hg19) VCF-style: chr6-18122318-TG-T.
Other names: short protein forms D173fs.
Identifiers: ClinVar variation 2991106 (VCV002991106.3), dbSNP rs1783745550, ClinGen allele CA1613536394.
Genomic context (GRCh38, chr6:18,122,087, plus strand): 5'-CGGCGTCAGTGACAACCACATGGCAGTCGTTGGTGATGGTGACATCCACAGGGTACCTAA[TG>T]TCTTGGGCAGCGTCCCCCTTCTCTCCAAACTGATGCGCGCATCCTCCCCCTGAGTCAAAA-3'

ClinVar aggregate classification (germline): Pathogenic (1 of 4 stars; one submission).

Conditions:
Lafora disease. Also called: Epilepsy progressive myoclonic 2; Progressive Myoclonus Epilepsy, Lafora Type. Identifiers: Orphanet 501, MedGen C0751783, MONDO:0009697.

Allele frequency attached by ClinVar (database versions not stated): gnomAD exomes below 0.00001; TOPMed below 0.00001.

Submission:

Labcorp Genetics (formerly Invitae), Labcorp
Classification: Pathogenic for Lafora disease. Last evaluated: 2024-06-24. Review status: criteria provided, single submitter. Criteria: Invitae Variant Classification Sherloc (09022015). Collection method: clinical testing. Allele origin: germline.
Comment: This sequence change creates a premature translational stop signal (p.Asp173Glufs*59) in the NHLRC1 gene. While this is not anticipated to result in nonsense mediated decay, it is expected to disrupt the last 223 amino acid(s) of the NHLRC1 protein. This variant is not present in population databases (gnomAD no frequency). This variant has not been reported in the literature in individuals affected with NHLRC1-related conditions. This variant disrupts a region of the NHLRC1 protein in which other variant(s) (p.Lys388Serfs*3) have been determined to be pathogenic (PMID: 20738377). This suggests that this is a clinically significant region of the protein, and that variants that disrupt it are likely to be disease-causing. For these reasons, this variant has been classified as Pathogenic.

Literature cited by the submitters: PubMed 20738377.